The following is an entry in ClinVar:

ClinVar aggregate classification (germline): Uncertain significance. Review status: criteria provided, multiple submitters, no conflicts (2 of 4 stars). 2 submissions from 2 submitters: Uncertain significance (2). Last evaluated 2023-07-19.

Conditions:
Inborn genetic diseases. Identifiers: MedGen C0950123, MeSH D030342.

Allele frequency attached by ClinVar (database versions not stated): gnomAD exomes below 0.00001; TOPMed 0.00001.
gnomAD v4.1: 3 of 1,614,132 alleles (0.00019%); highest among the groups gnomAD compares: Non-Finnish European, 0.00025%; no homozygotes.

Submissions (2):

Ambry Genetics
Classification: Uncertain significance for Inborn genetic diseases. Last evaluated: 2023-07-19. Review status: criteria provided, single submitter. Criteria: Ambry Variant Classification Scheme 2023. Collection method: clinical testing. Allele origin: germline.

Labcorp Genetics (formerly Invitae), Labcorp
Classification: Uncertain significance. Last evaluated: 2022-05-15. Review status: criteria provided, single submitter. Criteria: Invitae Variant Classification Sherloc (09022015). Collection method: clinical testing. Allele origin: germline.
Comment: This sequence change replaces threonine, which is neutral and polar, with asparagine, which is neutral and polar, at codon 300 of the TIMM50 protein (p.Thr300Asn). This variant is not present in population databases (gnomAD no frequency). This variant has not been reported in the literature in individuals affected with TIMM50-related conditions. Algorithms developed to predict the effect of missense changes on protein structure and function are either unavailable or do not agree on the potential impact of this missense change (SIFT: "Not Available"; PolyPhen-2: "Benign"; Align-GVGD: "Not Available"). In summary, the available evidence is currently insufficient to determine the role of this variant in disease. Therefore, it has been classified as a Variant of Uncertain Significance.

NM_001001563.5(TIMM50):c.590C>A (p.Thr197Asn)

Gene: TIMM50 (translocase of inner mitochondrial membrane 50; plus strand). Cytogenetic location: 19q13.2.
Variant type: single nucleotide variant.
Coding change: c.590C>A on transcript NM_001001563.5 (MANE Select); coding-DNA position 590, C replaced by A.
Protein change: p.Thr197Asn; replaces threonine 197 with asparagine.
Molecular consequence: missense variant.
Genome position (GRCh38, 1-based): chr19:39,486,284, C>A. VCF-style: chr19-39486284-C-A. GRCh37 (hg19) VCF-style: chr19-39976924-C-A.
Other names: c.251C>A, p.Thr84Asn (NM_001329559.2); c.899C>A (NM_001001563.1); short protein forms T84N, T197N.
Identifiers: ClinVar variation 1900902 (VCV001900902.4), dbSNP rs1339922249, ClinGen allele CA405787661.